The following is an entry in ClinVar:

NM_000169.3(GLA):c.92C>T (p.Ala31Val)

Genes: GLA (galactosidase alpha; minus strand), RPL36A-HNRNPH2 (RPL36A-HNRNPH2 readthrough; plus strand). Cytogenetic location: Xq22.1.
Variant type: single nucleotide variant.
Coding change: c.92C>T on transcript NM_000169.3 (MANE Select); coding-DNA position 92, C replaced by T.
Protein change: p.Ala31Val; replaces alanine 31 with valine.
Molecular consequence: missense variant. On other transcripts: non-coding transcript variant (3), intron variant (2).
Genome position (GRCh38, 1-based): chrX:101,407,812, G>A on the plus strand (C>T on the coding strand, the complement: GLA is on the minus strand). VCF-style: chrX-101407812-G-A. GRCh37 (hg19) VCF-style: chrX-100662800-G-A.
Other names: c.92C>T, p.Ala31Val (NM_001406747.1, NM_001406748.1, NM_001406749.1); c.301-4124G>A (NM_001199973.2); c.178-4124G>A (NM_001199974.2); short protein forms A31V.
Identifiers: ClinVar variation 222450 (VCV000222450.6), dbSNP rs869312448, ClinGen allele CA352530.

ClinVar aggregate classification (germline): Likely pathogenic. Review status: criteria provided, multiple submitters, no conflicts (2 of 4 stars). 3 submissions from 3 submitters: Likely pathogenic (3). Last evaluated 2026-09-08.

Conditions:
Fabry disease. Also called: GLA DEFICIENCY; HEREDITARY DYSTOPIC LIPIDOSIS; Fabry's disease; Angiokeratoma corporis diffusum; Ceramide trihexosidosis; ALPHA-GALACTOSIDASE A DEFICIENCY. Identifiers: Orphanet 324, MedGen C0002986, MONDO:0010526, OMIM 301500, HP:0001071. Disease mechanism: loss of function, Fabry disease is due to inactivating mutations in the X-linked GLA gene resulting in deficiency of the enzyme Alpha Galactosidase-A..

Submissions (3):

Genomenon, Inc
Classification: Likely pathogenic for Fabry disease. Last evaluated: 2026-09-08. Review status: criteria provided, single submitter. Criteria: Genomenon Sequence Variant Interpretation Standards - Updated. Collection method: curation. Allele origin: germline. Affected: yes.
Comment: GLA p.Ala31Val (c.92C>T) is a missense variant that changes the amino acid at codon 31 from Alanine to Valine. This variant has been observed in at least one proband with clinical features consistent with Fabry disease (PMID:28736719;9100224;17224688;16595074). At least one functional study has demonstrated a substantial alteration in protein function relative to the wild-type (PMID:27657681). It is absent or not present at a significant frequency in gnomAD. In silico models predict that this variant is possibly or probably damaging. In conclusion, we classify GLA p.Ala31Val (c.92C>T) as a likely pathogenic variant.

Labcorp Genetics (formerly Invitae), Labcorp
Classification: Likely pathogenic for Fabry disease. Last evaluated: 2023-11-06. Review status: criteria provided, single submitter. Criteria: Invitae Variant Classification Sherloc (09022015). Collection method: clinical testing. Allele origin: germline.
Comment: This sequence change replaces alanine, which is neutral and non-polar, with valine, which is neutral and non-polar, at codon 31 of the GLA protein (p.Ala31Val). This variant is not present in population databases (gnomAD no frequency). This missense change has been observed in individuals with Fabry disease (PMID: 9100224, 17224688, 28736719, 29621274). ClinVar contains an entry for this variant (Variation ID: 222450). Advanced modeling of protein sequence and biophysical properties (such as structural, functional, and spatial information, amino acid conservation, physicochemical variation, residue mobility, and thermodynamic stability) performed at Invitae indicates that this missense variant is not expected to disrupt GLA protein function with a negative predictive value of 80%. In summary, the currently available evidence indicates that the variant is pathogenic, but additional data are needed to prove that conclusively. Therefore, this variant has been classified as Likely Pathogenic.

Women's Health and Genetics/Laboratory Corporation of America, LabCorp
Classification: Likely pathogenic for Fabry disease. Last evaluated: 2021-02-23. Review status: criteria provided, single submitter. Criteria: LabCorp Variant Classification Summary - May 2015. Collection method: clinical testing. Allele origin: germline.
Comment: Variant summary: GLA c.92C>T (p.Ala31Val) results in a non-conservative amino acid change in the encoded protein sequence. Five of five in-silico tools predict a damaging effect of the variant on protein function. The variant was absent in 183447 control chromosomes (gnomAD). c.92C>T has been reported in the literature in individuals affected with Fabry Disease and many of these patients had classic Fabry phenotype (example: Arends_2018, Eng_1997, Lavalle_2018, Shabbeer_2006, Wang_2007, Stepien_2017) These data indicate that the variant is likely to be associated with disease. At least one publication reports experimental evidence evaluating an impact on protein function, however, does not allow convincing conclusions about the variant effect (Shabbeer_2006). No clinical diagnostic laboratories have submitted clinical-significance assessments for this variant to ClinVar after 2014. Based on the evidence outlined above, the variant was classified as likely pathogenic.

Literature cited by the submitters: PubMed 28736719 (cited by 3 submitters); PubMed 9100224 (cited by 3 submitters); PubMed 17224688 (cited by 3 submitters); PubMed 16595074 (cited by Genomenon, Inc and Women's Health and Genetics/Laboratory Corporation of America, LabCorp); PubMed 27657681 (cited by Genomenon, Inc); PubMed 29621274 (cited by Labcorp Genetics (formerly Invitae), Labcorp and Women's Health and Genetics/Laboratory Corporation of America, LabCorp); PubMed 29437868 (cited by Women's Health and Genetics/Laboratory Corporation of America, LabCorp).